The following is an entry in ClinVar:

ClinVar aggregate classification (germline): Uncertain significance (1 of 4 stars; one submission).

Conditions:
Hereditary spastic paraplegia 11. Also called: Spastic paraplegia, mental retardation and thin corpus callosum; Spastic Paraplegia 11; Nakamura Osame syndrome; Autosomal recessive hereditary spastic paraplegia, mental impairment, and thin corpus callosum; SPASTIC PARAPLEGIA, AUTOSOMAL RECESSIVE, COMPLICATED, WITH THIN CORPUS CALLOSUM; SPASTIC PARAPLEGIA, AUTOSOMAL RECESSIVE, WITH MENTAL IMPAIRMENT AND THIN CORPUS CALLOSUM. Identifiers: Orphanet 2822, MedGen C1858479, MONDO:0011445, OMIM 604360.

Allele frequency attached by ClinVar (database versions not stated): gnomAD exomes below 0.00001.
gnomAD v4.1: 1 of 1,612,172 alleles (0.000062%); highest among the groups gnomAD compares: Non-Finnish European, 0.000085%; no homozygotes.

Submission:

Labcorp Genetics (formerly Invitae), Labcorp
Classification: Uncertain significance for Hereditary spastic paraplegia 11. Last evaluated: 2022-03-30. Review status: criteria provided, single submitter. Criteria: Invitae Variant Classification Sherloc (09022015). Collection method: clinical testing. Allele origin: germline.
Comment: This sequence change replaces tryptophan, which is neutral and slightly polar, with arginine, which is basic and polar, at codon 2251 of the SPG11 protein (p.Trp2251Arg). This variant is not present in population databases (gnomAD no frequency). This variant has not been reported in the literature in individuals affected with SPG11-related conditions. Algorithms developed to predict the effect of missense changes on protein structure and function are either unavailable or do not agree on the potential impact of this missense change (SIFT: "Tolerated"; PolyPhen-2: "Probably Damaging"; Align-GVGD: "Class C0"). In summary, the available evidence is currently insufficient to determine the role of this variant in disease. Therefore, it has been classified as a Variant of Uncertain Significance.

NM_025137.4(SPG11):c.6751T>C (p.Trp2251Arg)

Gene: SPG11 (SPG11 vesicle trafficking associated, spatacsin; minus strand). Cytogenetic location: 15q21.1.
Variant type: single nucleotide variant.
Coding change: c.6751T>C on transcript NM_025137.4 (MANE Select); coding-DNA position 6751, T replaced by C.
Protein change: p.Trp2251Arg; replaces tryptophan 2251 with arginine.
Molecular consequence: missense variant.
Genome position (GRCh38, 1-based): chr15:44,567,427, A>G on the plus strand (T>C on the coding strand, the complement: SPG11 is on the minus strand). VCF-style: chr15-44567427-A-G. GRCh37 (hg19) VCF-style: chr15-44859625-A-G.
Other names: c.6412T>C, p.Trp2138Arg (NM_001160227.2); c.6607T>C, p.Trp2203Arg (NM_001411132.1); short protein forms W2251R, W2138R, W2203R.
Identifiers: ClinVar variation 1954144 (VCV001954144.2), dbSNP rs2082333097, ClinGen allele CA392214539.
Genomic context (GRCh38, chr15:44,567,427, plus strand): 5'-AGGAATTTTACCTAGCTAGCAGCACTGTTCTGGTAGTGTGGCTGTGACCTCACTCACCCC[A>G]GGGCTGAGACTCAATCAATTTCAGTTGGATGCGGGCAGCTGCCTCGTGGTTCTCGCCAAT-3'
Protein context (NP_079413.3, residues 2241-2261): IQLKLIESQP[Trp2251Arg]EDSLKDGHQL